The following is an entry in ClinVar:

NM_003579.4(RAD54L):c.838C>T (p.Leu280Phe)

Gene: RAD54L (RAD54 like; plus strand). Cytogenetic location: 1p34.1.
Variant type: single nucleotide variant.
Coding change: c.838C>T on transcript NM_003579.4 (MANE Select); coding-DNA position 838, C replaced by T.
Protein change: p.Leu280Phe; replaces leucine 280 with phenylalanine.
Molecular consequence: missense variant.
Genome position (GRCh38, 1-based): chr1:46,261,332, C>T. VCF-style: chr1-46261332-C-T. GRCh37 (hg19) VCF-style: chr1-46727004-C-T.
Other names: c.838C>T, p.Leu280Phe (NM_001142548.2); c.298C>T, p.Leu100Phe (NM_001370766.1); short protein forms L100F, L280F.
Identifiers: ClinVar variation 2496817 (VCV002496817.2), dbSNP rs755479567, ClinGen allele CA834387.

ClinVar aggregate classification (germline): Uncertain significance (1 of 4 stars; one submission).

Allele frequency attached by ClinVar (database versions not stated): gnomAD exomes 0.00001; TOPMed 0.00001; ExAC 0.00002.

Submission:

Ambry Genetics
Classification: Uncertain significance. Last evaluated: 2022-11-05. Review status: criteria provided, single submitter. Criteria: Ambry Variant Classification Scheme 2023. Collection method: clinical testing. Allele origin: germline.
Comment: The p.L280F variant (also known as c.838C>T), located in coding exon 8 of the RAD54L gene, results from a C to T substitution at nucleotide position 838. The leucine at codon 280 is replaced by phenylalanine, an amino acid with highly similar properties. This amino acid position is conserved. In addition, the in silico prediction for this alteration is inconclusive. Since supporting evidence is limited at this time, the clinical significance of this alteration remains unclear.